The following is an entry in ClinVar:

ClinVar aggregate classification (germline): Benign. Review status: criteria provided, single submitter (1 of 4 stars). 2 submissions from 2 submitters: Benign (1). 1 of the submissions does not count toward it. Last evaluated 2019-01-10.

Allele frequency attached by ClinVar (database versions not stated): ESP Exome Variant Server 0.13848; gnomAD 0.14481 and 0.14674; TOPMed 0.15565; 1000 Genomes Project 0.18990; 1000 Genomes Project 30x 0.19488.
gnomAD v4.1: 117,495 of 1,563,544 alleles (7.5%); highest among the groups gnomAD compares: African/African-American, 37%; 8,664 homozygotes.

Submissions (2):

GeneDx
Classification: Benign. Last evaluated: 2019-01-10. Review status: criteria provided, single submitter. Criteria: GeneDx Variant Classification Process June 2021. Collection method: clinical testing. Allele origin: germline. Affected: yes.

Leiden Open Variation Database
Classification: Uncertain significance. Last evaluated: 2011-02-07. Review status: no assertion criteria provided. Collection method: curation. Allele origin: germline. Affected: yes. Not counted in ClinVar's aggregate classification.
Comment: Curator: Arleen D. Auerbach. Submitter to LOVD: Arleen D. Auerbach.

NM_021922.3(FANCE):c.856-70G>A

Gene: FANCE (FA complementation group E; plus strand). Cytogenetic location: 6p21.31.
Variant type: single nucleotide variant.
Coding change: c.856-70G>A on transcript NM_021922.3 (MANE Select); 70 bases into the intron before coding-DNA position 856, G replaced by A.
Molecular consequence: intron variant.
Genome position (GRCh38, 1-based): chr6:35,457,486, G>A. VCF-style: chr6-35457486-G-A. GRCh37 (hg19) VCF-style: chr6-35425263-G-A.
Identifiers: ClinVar variation 929576 (VCV000929576.4), dbSNP rs9470033, ClinGen allele CA12322419.
Genomic context (GRCh38, chr6:35,457,486, plus strand): 5'-ACTTTCTTGAATCATCTTTGCCAGCTAGCTCCCACTGACCTGGGGCCTTTTCAGTAGGGG[G>A]AGCCAGAACCGGGCTTGGGGTCATGCTGCAGGGGGAGGGACGTAGCAGTGACTGGGCTCT-3'